The following is an entry in ClinVar:

NM_182961.4(SYNE1):c.16711-25C>T

Gene: SYNE1 (spectrin repeat containing nuclear envelope protein 1; minus strand). Cytogenetic location: 6q25.2.
Variant type: single nucleotide variant.
Coding change: c.16711-25C>T on transcript NM_182961.4 (MANE Select); 25 bases into the intron before coding-DNA position 16711, C replaced by T.
Molecular consequence: intron variant.
Genome position (GRCh38, 1-based): chr6:152,310,898, G>A on the plus strand (C>T on the coding strand, the complement: SYNE1 is on the minus strand). VCF-style: chr6-152310898-G-A. GRCh37 (hg19) VCF-style: chr6-152632033-G-A.
Other names: c.16498-25C>T (NM_033071.5).
Identifiers: ClinVar variation 262170 (VCV000262170.2), dbSNP rs1538, ClinGen allele CA4055444.

ClinVar aggregate classification (germline): Benign. Review status: criteria provided, multiple submitters, no conflicts (2 of 4 stars). 2 submissions from 2 submitters: Benign (2). Last evaluated 2018-06-14.

Allele frequency attached by ClinVar (database versions not stated): ESP Exome Variant Server 0.01976; gnomAD 0.02600 and 0.02759; TOPMed 0.02689; gnomAD exomes 0.03045 and 0.03690; ExAC 0.03983; 1000 Genomes Project 30x 0.04107; 1000 Genomes Project 0.04433.
gnomAD v4.1: 48,507 of 1,608,712 alleles (3%); highest among the groups gnomAD compares: East Asian, 15%; 1,185 homozygotes.

Submissions (2):

GeneDx
Classification: Benign. Last evaluated: 2018-06-14. Review status: criteria provided, single submitter. Criteria: GeneDx Variant Classification (06012015). Collection method: clinical testing. Allele origin: germline. Affected: yes.
Comment: This variant is considered likely benign or benign based on one or more of the following criteria: it is a conservative change, it occurs at a poorly conserved position in the protein, it is predicted to be benign by multiple in silico algorithms, and/or has population frequency not consistent with disease.

PreventionGenetics, part of Exact Sciences
Classification: Benign. Review status: criteria provided, single submitter. Criteria: ACMG Guidelines, 2015. Collection method: clinical testing. Allele origin: germline.